The following is an entry in ClinVar:

ClinVar aggregate classification (germline): Uncertain significance. Review status: criteria provided, single submitter (1 of 4 stars). 2 submissions from 2 submitters: Uncertain significance (1). 1 of the submissions does not count toward it. Last evaluated 2026-01-07.

Conditions:
MHC class II deficiency. Also called: BLS, TYPE II; Bare lymphocyte syndrome 2. Identifiers: Orphanet 572, MedGen C5447452, MONDO:0008855.

gnomAD v4.1: 8 of 1,614,018 alleles (0.0005%); highest among the groups gnomAD compares: South Asian, 0.0033%; no homozygotes.

Submissions (2):

Women's Health and Genetics/Laboratory Corporation of America, LabCorp
Classification: Uncertain significance. Last evaluated: 2026-01-07. Review status: criteria provided, single submitter. Criteria: LabCorp Variant Classification Summary - May 2015. Collection method: clinical testing. Allele origin: germline.
Comment: Variant summary: CIITA c.295+3G>A alters a nucleotide located close to a canonical splice site and therefore could affect mRNA splicing, leading to a significantly altered protein sequence. Consensus agreement among computation tools predict no significant impact on normal splicing. However, these predictions have yet to be confirmed by functional studies. The variant was absent in 251366 control chromosomes. The available data on variant occurrences in the general population are insufficient to allow any conclusion about variant significance. To our knowledge, no occurrence of c.295+3G>A in individuals affected with CIITA-related conditions and no experimental evidence demonstrating its impact on protein function have been reported. ClinVar contains an entry for this variant (Variation ID: 4064751). Based on the evidence outlined above, the variant was classified as uncertain significance.

Natera, Inc.
Classification: Uncertain significance for Bare lymphocyte syndrome type II. Last evaluated: 2025-04-13. Review status: no assertion criteria provided. Collection method: clinical testing. Allele origin: germline. Not counted in ClinVar's aggregate classification.

NM_000246.4(CIITA):c.295+3G>A

Gene: CIITA (class II major histocompatibility complex transactivator; plus strand). Cytogenetic location: 16p13.13.
Variant type: single nucleotide variant.
Coding change: c.295+3G>A on transcript NM_000246.4 (MANE Select); 3 bases into the intron after coding-DNA position 295, G replaced by A.
Molecular consequence: intron variant.
Genome position (GRCh38, 1-based): chr16:10,895,767, G>A. VCF-style: chr16-10895767-G-A. GRCh37 (hg19) VCF-style: chr16-10989624-G-A.
Other names: c.295+3G>A (NM_001286402.1, NM_001379332.1, NM_001379330.1 and 3 more transcripts); c.223+3G>A (NM_001379334.1).
Identifiers: ClinVar variation 4064751 (VCV004064751.2).